The following is an entry in ClinVar:

NM_001371623.1(TCOF1):c.646C>A (p.Pro216Thr)

Gene: TCOF1 (treacle ribosome biogenesis factor 1; plus strand). Cytogenetic location: 5q32.
Variant type: single nucleotide variant.
Coding change: c.646C>A on transcript NM_001371623.1 (MANE Select); coding-DNA position 646, C replaced by A.
Protein change: p.Pro216Thr; replaces proline 216 with threonine.
Molecular consequence: missense variant. On other transcripts: intron variant (2).
Genome position (GRCh38, 1-based): chr5:150,372,012, C>A. VCF-style: chr5-150372012-C-A. GRCh37 (hg19) VCF-style: chr5-149751575-C-A.
Other names: c.646C>A, p.Pro216Thr (NM_001008657.3, NM_001135243.2, NM_001135244.2 and 1 more transcripts); c.640-2162C>A (NM_001135245.2, NM_000356.4); short protein forms P216T.
Identifiers: ClinVar variation 2655925 (VCV002655925.24), dbSNP rs1762643334, ClinGen allele CA361738362.
Genomic context (GRCh38, chr5:150,372,012, plus strand): 5'-TTAGGGGGAAACAGTAATTATTATTCATTTTCTAATTCCATCCTCTTGTTCCAGGGGAAA[C>A]CCTCAGTAAAACCAGCCCAGGTCAAAGCCTCATCAGTTTCTACTAAGGAGTCTCCAGCAA-3'
Protein context (NP_001358552.1, residues 206-226): SSDETDVEGK[Pro216Thr]SVKPAQVKAS

ClinVar aggregate classification (germline): Uncertain significance (1 of 4 stars; one submission).

Allele frequency attached by ClinVar (database versions not stated): gnomAD exomes below 0.00001; TOPMed below 0.00001.
gnomAD v4.1: 2 of 1,613,992 alleles (0.00012%); highest among the groups gnomAD compares: Middle Eastern, 0.016%; no homozygotes.

Submission:

CeGaT Center for Human Genetics Tuebingen
Classification: Uncertain significance. Last evaluated: 2023-03-01. Review status: criteria provided, single submitter. Criteria: CeGaT Center For Human Genetics Tuebingen Variant Classification Criteria Version 2. Collection method: clinical testing. Allele origin: germline. Affected: yes. Observed: 1 variant allele.
Comment: TCOF1: PM2, BP4